The following is an entry in ClinVar:

NM_152365.3(KDF1):c.753C>G (p.Phe251Leu)

Gene: KDF1 (keratinocyte differentiation factor 1; minus strand). Cytogenetic location: 1p36.11.
Variant type: single nucleotide variant.
Coding change: c.753C>G on transcript NM_152365.3 (MANE Select); coding-DNA position 753, C replaced by G.
Protein change: p.Phe251Leu; replaces phenylalanine 251 with leucine.
Molecular consequence: missense variant.
Genome position (GRCh38, 1-based): chr1:26,951,628, G>C on the plus strand (C>G on the coding strand, the complement: KDF1 is on the minus strand). VCF-style: chr1-26951628-G-C. GRCh37 (hg19) VCF-style: chr1-27278119-G-C.
Other names: short protein forms F251L.
Identifiers: ClinVar variation 3655049 (VCV003655049.2).

ClinVar aggregate classification (germline): Pathogenic (1 of 4 stars; one submission).

Submission:

Labcorp Genetics (formerly Invitae), Labcorp
Classification: Pathogenic. Last evaluated: 2024-05-29. Review status: criteria provided, single submitter. Criteria: Invitae Variant Classification Sherloc (09022015). Collection method: clinical testing. Allele origin: germline.
Comment: This sequence change replaces phenylalanine, which is neutral and non-polar, with leucine, which is neutral and non-polar, at codon 251 of the KDF1 protein (p.Phe251Leu). This variant is not present in population databases (gnomAD no frequency). This missense change has been observed in individual(s) with ectodermal dysplasia (PMID: 27838789). It has also been observed to segregate with disease in related individuals. Advanced modeling of protein sequence and biophysical properties (such as structural, functional, and spatial information, amino acid conservation, physicochemical variation, residue mobility, and thermodynamic stability) performed at Invitae indicates that this missense variant is not expected to disrupt KDF1 protein function with a negative predictive value of 80%. Experimental studies have shown that this missense change affects KDF1 function (PMID: 36293320). For these reasons, this variant has been classified as Pathogenic.

Literature cited by the submitters: PubMed 27838789; PubMed 36293320.